The following is an entry in ClinVar:

ClinVar aggregate classification (germline): Uncertain significance (1 of 4 stars; one submission).

Conditions:
Retinitis pigmentosa 59 (RP59). Identifiers: Orphanet 791, MedGen C3151227, MONDO:0013468, OMIM 613861.

Allele frequency attached by ClinVar (database versions not stated): gnomAD exomes below 0.00001.

Submission:

Labcorp Genetics (formerly Invitae), Labcorp
Classification: Uncertain significance for Retinitis pigmentosa 59. Last evaluated: 2023-12-18. Review status: criteria provided, single submitter. Criteria: Invitae Variant Classification Sherloc (09022015). Collection method: clinical testing. Allele origin: germline.
Comment: This sequence change replaces phenylalanine, which is neutral and non-polar, with leucine, which is neutral and non-polar, at codon 237 of the DHDDS protein (p.Phe237Leu). This variant is not present in population databases (gnomAD no frequency). This variant has not been reported in the literature in individuals affected with DHDDS-related conditions. ClinVar contains an entry for this variant (Variation ID: 1463723). Advanced modeling of protein sequence and biophysical properties (such as structural, functional, and spatial information, amino acid conservation, physicochemical variation, residue mobility, and thermodynamic stability) performed at Invitae indicates that this missense variant is not expected to disrupt DHDDS protein function with a negative predictive value of 80%. In summary, the available evidence is currently insufficient to determine the role of this variant in disease. Therefore, it has been classified as a Variant of Uncertain Significance.

NM_205861.3(DHDDS):c.709T>C (p.Phe237Leu)

Gene: DHDDS (dehydrodolichyl diphosphate synthase subunit; plus strand). Cytogenetic location: 1p36.11.
Variant type: single nucleotide variant.
Coding change: c.709T>C on transcript NM_205861.3 (MANE Select); coding-DNA position 709, T replaced by C.
Protein change: p.Phe237Leu; replaces phenylalanine 237 with leucine.
Molecular consequence: missense variant.
Genome position (GRCh38, 1-based): chr1:26,460,088, T>C. VCF-style: chr1-26460088-T-C. GRCh37 (hg19) VCF-style: chr1-26786579-T-C.
Other names: c.607T>C, p.Phe203Leu (NM_001243564.2); c.592T>C, p.Phe198Leu (NM_001243565.2); c.430T>C, p.Phe144Leu (NM_001319959.2); c.709T>C, p.Phe237Leu (NM_024887.4); short protein forms F198L, F203L, F144L, F237L.
Identifiers: ClinVar variation 1463723 (VCV001463723.8), dbSNP rs2124501513, ClinGen allele CA339145190.